The following is an entry in ClinVar:

ClinVar aggregate classification (germline): Conflicting classifications of pathogenicity. Review status: criteria provided, conflicting classifications (1 of 4 stars). 5 submissions from 5 submitters: Pathogenic (1); Likely pathogenic (1); Uncertain significance (1). 2 of the submissions do not count toward it. Last evaluated 2025-05-23.

Conditions:
Plasma factor XI deficiency.
F11-related disorder. Also called: F11-related condition.
Hereditary factor XI deficiency disease. Also called: Congenital factor XI deficiency; PLASMA THROMBOPLASTIN ANTECEDENT DEFICIENCY; PTA DEFICIENCY; ROSENTHAL SYNDROME. Identifiers: Orphanet 329, MedGen C0015523, MeSH D005173, MONDO:0012897, OMIM 612416.

Allele frequency attached by ClinVar (database versions not stated): gnomAD 0.00002; gnomAD exomes 0.00003 and 0.00001; TOPMed 0.00002.
gnomAD v4.1: 49 of 1,614,002 alleles (0.003%); highest among the groups gnomAD compares: Non-Finnish European, 0.0042%; no homozygotes.

Submissions (5):

Natera, Inc.
Classification: Likely pathogenic for Plasma factor XI deficiency. Last evaluated: 2025-05-23. Review status: criteria provided, single submitter. Criteria: Natera Variant Classification Schema (03/2026). Collection method: clinical testing. Allele origin: germline.
Comment: The c.1853T>G variant in F11 is a missense variant predicted to cause substitution of isoleucine to serine at amino acid 618. This variant is rare in the general population with a frequency below the threshold expected for the associated phenotype(s). This variant has been observed in affected individual(s) with monoallelic occurrence (heterozygous/hemizygous) (PMID: 16835901, 15953011). This variant has been identified in one or more affected individual with a phenotype highly consistent with the associated gene (PMID: 16835901, 15953011). Functional studies show that this variant may disrupt protein function (PMID: 16835901). Computational prediction algorithms indicate this variant is likely to affect gene or protein function. Given the available evidence, this variant is classified as Likely Pathogenic.

Women's Health and Genetics/Laboratory Corporation of America, LabCorp
Classification: Pathogenic for Hereditary factor XI deficiency disease. Last evaluated: 2024-10-30. Review status: criteria provided, single submitter. Criteria: LabCorp Variant Classification Summary - May 2015. Collection method: clinical testing. Allele origin: germline.
Comment: Variant summary: F11 c.1853T>G (p.Ile618Ser), also reported as I600S, results in a non-conservative amino acid change located in the Serine proteases, trypsin domain (IPR001254) of the encoded protein sequence. Five of five in-silico tools predict a damaging effect of the variant on protein function. The variant allele was found at a frequency of 8e-06 in 251404 control chromosomes. c.1853T>G has been reported in the literature in the heterozygous state in 2 individuals and in the homozygous state in 1 individual affected with Hereditary factor XI deficiency disease (example, Mitchell_2005, Hill_2005). These data indicate that the variant is likely to be associated with disease. At least one publication reports experimental evidence evaluating an impact on protein function. The most pronounced variant effect results in <10% of normal FXI:C coagulant activity in the homozygous state and 23-60% FXI:C coagulant activity in the heterozygous state (example, Mitchell_2005, Hill_2005), consistent with possible dominant negative effects. The following publications have been ascertained in the context of this evaluation (PMID: 15953011, 16835901). ClinVar contains an entry for this variant (Variation ID: 68190). Based on the evidence outlined above, the variant was classified as pathogenic.

GeneDx
Classification: Uncertain significance. Last evaluated: 2023-12-11. Review status: criteria provided, single submitter. Criteria: GeneDx Variant Classification Process June 2021. Collection method: clinical testing. Allele origin: germline. Affected: yes.
Comment: Not observed at significant frequency in large population cohorts (gnomAD); In silico analysis supports that this missense variant has a deleterious effect on protein structure/function; This variant is associated with the following publications: (PMID: 19652879, 16835901, 15953011)

PreventionGenetics, part of Exact Sciences
Classification: Pathogenic for F11-related condition. Last evaluated: 2023-11-29. Review status: no assertion criteria provided. Collection method: clinical testing. Allele origin: germline. Not counted in ClinVar's aggregate classification.
Comment: The F11 c.1853T>G variant is predicted to result in the amino acid substitution p.Ile618Ser. This variant, also referred to as c.1896T>G (p.Ile600Ser), has previously been reported to be causative for Hemophilia C (see patient IDs 033061 and 5964 in Mitchell et al. 2006. PubMed ID: 16835901; family 12 in Hill et al. 2005. PubMed ID: 15953011). In Mitchell et al., patient 033061 was homozygous for the c.1853T>G variant and exhibited <2% normal FXI protein activity compared to patient 5946 which was heterozygous for the variant and exhibited 23% FXI activity. Acquired disease states including liver disease, may also alter FXI activity. This variant is reported in 0.0018% of alleles in individuals of European (Non-Finnish) descent in gnomAD. This variant is interpreted as pathogenic.

UniProtKB/Swiss-Prot
No classification provided. Review status: no classification provided. Collection method: not provided. Allele origin: not provided. Not counted in ClinVar's aggregate classification.

Literature cited by the submitters: PubMed 16835901 (cited by Natera, Inc. and Women's Health and Genetics/Laboratory Corporation of America, LabCorp); PubMed 15953011 (cited by Natera, Inc. and Women's Health and Genetics/Laboratory Corporation of America, LabCorp).

NM_000128.4(F11):c.1853T>G (p.Ile618Ser)

Genes: F11 (coagulation factor XI; plus strand), F11-AS1 (F11 antisense RNA 1; minus strand). Cytogenetic location: 4q35.2.
Variant type: single nucleotide variant.
Coding change: c.1853T>G on transcript NM_000128.4 (MANE Select); coding-DNA position 1853, T replaced by G.
Protein change: p.Ile618Ser; replaces isoleucine 618 with serine.
Molecular consequence: missense variant. On other transcripts: non-coding transcript variant (1).
Genome position (GRCh38, 1-based): chr4:186,288,589, T>G. VCF-style: chr4-186288589-T-G. GRCh37 (hg19) VCF-style: chr4-187209743-T-G.
Other names: short protein forms I618S.
Identifiers: ClinVar variation 68190 (VCV000068190.6), dbSNP rs281875276, ClinGen allele CA219134.
Genomic context (GRCh38, chr4:186,288,589, plus strand): 5'-GCTGTGCTCAAAGGGAGCGGCCAGGTGTTTACACCAACGTGGTCGAGTACGTGGACTGGA[T>G]TCTGGAGAAAACTCAAGCAGTGTGAATGGGTTCCCAGGGGCCATTGGAGTCCCTGAAGGA-3'
Protein context (NP_000119.1, residues 608-625): YTNVVEYVDW[Ile618Ser]LEKTQAV